The following is an entry in ClinVar:

NM_001105558.1(WEE2):c.1004T>C (p.Met335Thr)

Genes: WEE2 (WEE2 oocyte meiosis inhibiting kinase; plus strand), WEE2-AS1 (WEE2 antisense RNA 1; minus strand). Cytogenetic location: 7q34.
Variant type: single nucleotide variant.
Coding change: c.1004T>C on transcript NM_001105558.1 (MANE Select); coding-DNA position 1004, T replaced by C.
Protein change: p.Met335Thr; replaces methionine 335 with threonine.
Molecular consequence: missense variant.
Genome position (GRCh38, 1-based): chr7:141,723,257, T>C. VCF-style: chr7-141723257-T-C. GRCh37 (hg19) VCF-style: chr7-141423057-T-C.
Other names: short protein forms M335T.
Identifiers: ClinVar variation 3372198 (VCV003372198.1).

ClinVar aggregate classification (germline): Uncertain significance (1 of 4 stars; one submission).

gnomAD v4.1: 1 of 1,614,044 alleles (0.000062%); no homozygotes.

Submission:

GeneDx
Classification: Uncertain significance. Last evaluated: 2024-04-15. Review status: criteria provided, single submitter. Criteria: GeneDx Variant Classification Process June 2021. Collection method: clinical testing. Allele origin: germline. Affected: yes.
Comment: Not observed at significant frequency in large population cohorts (gnomAD); In silico analysis supports that this missense variant has a deleterious effect on protein structure/function; Has not been previously published as pathogenic or benign to our knowledge